The following is an entry in ClinVar:

NM_015102.5(NPHP4):c.212T>G (p.Phe71Cys)

Gene: NPHP4 (nephrocystin 4; minus strand). Cytogenetic location: 1p36.31.
Variant type: single nucleotide variant.
Coding change: c.212T>G on transcript NM_015102.5 (MANE Select); coding-DNA position 212, T replaced by G.
Protein change: p.Phe71Cys; replaces phenylalanine 71 with cysteine.
Molecular consequence: missense variant. On other transcripts: 5 prime UTR variant (1), non-coding transcript variant (1), intron variant (1).
Genome position (GRCh38, 1-based): chr1:5,978,337, A>C on the plus strand (T>G on the coding strand, the complement: NPHP4 is on the minus strand). VCF-style: chr1-5978337-A-C. GRCh37 (hg19) VCF-style: chr1-6038397-A-C.
Other names: c.-1018T>G (NM_001291593.2); c.-1087-9078T>G (NM_001291594.2); short protein forms F71C.
Identifiers: ClinVar variation 2015465 (VCV002015465.4), dbSNP rs2523983239, ClinGen allele CA338053101.

ClinVar aggregate classification (germline): Uncertain significance (1 of 4 stars; one submission).

Conditions:
Nephronophthisis. Also called: Juvenile Nephronophthisis. Identifiers: Orphanet 655, MedGen C0687120, MONDO:0019005, HP:0000090.

Submission:

Labcorp Genetics (formerly Invitae), Labcorp
Classification: Uncertain significance for Nephronophthisis. Last evaluated: 2022-07-17. Review status: criteria provided, single submitter. Criteria: Invitae Variant Classification Sherloc (09022015). Collection method: clinical testing. Allele origin: germline.
Comment: This variant is not present in population databases (gnomAD no frequency). In summary, the available evidence is currently insufficient to determine the role of this variant in disease. Therefore, it has been classified as a Variant of Uncertain Significance. Algorithms developed to predict the effect of missense changes on protein structure and function are either unavailable or do not agree on the potential impact of this missense change (SIFT: "Deleterious"; PolyPhen-2: "Probably Damaging"; Align-GVGD: "Class C0"). This variant has not been reported in the literature in individuals affected with NPHP4-related conditions. This sequence change replaces phenylalanine, which is neutral and non-polar, with cysteine, which is neutral and slightly polar, at codon 71 of the NPHP4 protein (p.Phe71Cys).